The following is an entry in ClinVar:

NM_001042492.3(NF1):c.3130_3131insC (p.Tyr1044fs)

Gene: NF1 (neurofibromin 1; plus strand). Cytogenetic location: 17q11.2.
Variant type: Insertion.
Coding change: c.3130_3131insC on transcript NM_001042492.3 (MANE Select); coding-DNA positions 3130 to 3131, C inserted.
Protein change: p.Tyr1044fs; shifts the reading frame from tyrosine 1044.
Molecular consequence: frameshift variant.
Genome position: GRCh38 VCF-style: chr17-31230858-T-TC. GRCh37 (hg19) VCF-style: chr17-29557876-T-TC.
Other names: c.3130_3131insC, p.Tyr1044Serfs (NM_000267.4); short protein forms Y1044fs.
Identifiers: ClinVar variation 2762848 (VCV002762848.3), dbSNP rs2508212711, ClinGen allele CA2697559779.

ClinVar aggregate classification (germline): Pathogenic (1 of 4 stars; one submission).

Conditions:
Neurofibromatosis, type 1 (NF1). Also called: VON RECKLINGHAUSEN DISEASE; Neurofibromatosis, type I; NEUROFIBROMATOSIS, TYPE I, SOMATIC; Peripheral type neurofibromatosis. Identifiers: Orphanet 636, MedGen C0027831, MONDO:0018975, OMIM 162200. Disease mechanism: loss of function.

Submission:

Labcorp Genetics (formerly Invitae), Labcorp
Classification: Pathogenic for Neurofibromatosis, type 1. Last evaluated: 2023-09-23. Review status: criteria provided, single submitter. Criteria: Invitae Variant Classification Sherloc (09022015). Collection method: clinical testing. Allele origin: germline.
Comment: For these reasons, this variant has been classified as Pathogenic. This sequence change creates a premature translational stop signal (p.Tyr1044Serfs*16) in the NF1 gene. It is expected to result in an absent or disrupted protein product. Loss-of-function variants in NF1 are known to be pathogenic (PMID: 10712197, 23913538). This variant is not present in population databases (gnomAD no frequency). This variant has not been reported in the literature in individuals affected with NF1-related conditions.

Literature cited by the submitters: PubMed 10712197; PubMed 23913538.